The following is an entry in ClinVar:

ClinVar aggregate classification (germline): Uncertain significance (1 of 4 stars; one submission).

Submission:

GeneDx
Classification: Uncertain significance. Last evaluated: 2025-03-21. Review status: criteria provided, single submitter. Criteria: GeneDx Variant Classification Process June 2021. Collection method: clinical testing. Allele origin: germline. Affected: yes.
Comment: Not observed at significant frequency in large population cohorts (gnomAD); In silico analysis supports that this missense variant has a deleterious effect on protein structure/function; Has not been previously published as pathogenic or benign to our knowledge

NM_182961.4(SYNE1):c.19265T>C (p.Leu6422Pro)

Gene: SYNE1 (spectrin repeat containing nuclear envelope protein 1; minus strand). Cytogenetic location: 6q25.2.
Variant type: single nucleotide variant.
Coding change: c.19265T>C on transcript NM_182961.4 (MANE Select); coding-DNA position 19265, T replaced by C.
Protein change: p.Leu6422Pro; replaces leucine 6422 with proline.
Molecular consequence: missense variant.
Genome position (GRCh38, 1-based): chr6:152,255,085, A>G on the plus strand (T>C on the coding strand, the complement: SYNE1 is on the minus strand). VCF-style: chr6-152255085-A-G. GRCh37 (hg19) VCF-style: chr6-152576220-A-G.
Other names: c.19052T>C, p.Leu6351Pro (NM_033071.5); short protein forms L6351P, L6422P.
Identifiers: ClinVar variation 4086318 (VCV004086318.1).